The following is an entry in ClinVar:

NM_002471.4(MYH6):c.3514G>A (p.Glu1172Lys)

Gene: MYH6 (myosin heavy chain 6; minus strand). Cytogenetic location: 14q11.2.
Variant type: single nucleotide variant.
Coding change: c.3514G>A on transcript NM_002471.4 (MANE Select); coding-DNA position 3514, G replaced by A.
Protein change: p.Glu1172Lys; replaces glutamic acid 1172 with lysine.
Molecular consequence: missense variant.
Genome position (GRCh38, 1-based): chr14:23,390,275, C>T on the plus strand (G>A on the coding strand, the complement: MYH6 is on the minus strand). VCF-style: chr14-23390275-C-T. GRCh37 (hg19) VCF-style: chr14-23859484-C-T.
Other names: short protein forms E1172K.
Identifiers: ClinVar variation 1732194 (VCV001732194.11), dbSNP rs770838698, ClinGen allele CA7115158.

ClinVar aggregate classification (germline): Uncertain significance. Review status: criteria provided, multiple submitters, no conflicts (2 of 4 stars). 4 submissions from 4 submitters: Uncertain significance (4). Last evaluated 2026-04-10.

Conditions:
MYH6-related disorder. Also called: MYH6-Related Disorders; MYH6-related condition.
Cardiovascular phenotype. Identifiers: MedGen CN230736.
Hypertrophic cardiomyopathy 14. Identifiers: MedGen C2750467, MONDO:0013197, OMIM 613251.

Allele frequency attached by ClinVar (database versions not stated): gnomAD exomes 0.00001; ExAC 0.00003.
gnomAD v4.1: 15 of 1,593,214 alleles (0.00094%); highest among the groups gnomAD compares: Middle Eastern, 0.023%; no homozygotes.

Submissions (4):

PreventionGenetics, part of Exact Sciences
Classification: Uncertain significance for MYH6-related condition. Last evaluated: 2026-04-10. Review status: criteria provided, single submitter. Criteria: ACMG Guidelines, 2015. Collection method: clinical testing. Allele origin: germline.
Comment: The MYH6 c.3514G>A variant is predicted to result in the amino acid substitution p.Glu1172Lys. This variant has been reported in an individual with hypertrophic cardiomyopathy (Supplementary Table 1, Lopes et al. 2014. PubMed ID: 25351510). This variant is reported in 0.010% of alleles in individuals of South Asian descent in gnomAD and is interpreted as uncertain in ClinVar (Variation ID: 1732194). At this time, the clinical significance of this variant is uncertain due to the absence of conclusive functional and genetic evidence.

Dasa
Classification: Uncertain significance. Last evaluated: 2025-11-07. Review status: criteria provided, single submitter. Criteria: DASA Assertion Criteria. Collection method: clinical testing. Allele origin: germline.
Comment: NM_002471.4(MYH6):c.3514G>A (p.Glu1172Lys) is a missense variant that results in the substitution of glutamic acid with lysine. This variant is rare in population databases. Computational prediction algorithms are consistent with a deleterious effect. The currently available literature and clinical evidence are not sufficient to establish a definitive association between this variant and the reported condition. Therefore, this variant is classified as a variant of uncertain significance.

Ambry Genetics
Classification: Uncertain significance for Cardiovascular phenotype. Last evaluated: 2025-06-26. Review status: criteria provided, single submitter. Criteria: Ambry Variant Classification Scheme 2023. Collection method: clinical testing. Allele origin: germline.

Labcorp Genetics (formerly Invitae), Labcorp
Classification: Uncertain significance for Hypertrophic cardiomyopathy 14. Last evaluated: 2022-11-22. Review status: criteria provided, single submitter. Criteria: Invitae Variant Classification Sherloc (09022015). Collection method: clinical testing. Allele origin: germline.
Comment: This sequence change replaces glutamic acid, which is acidic and polar, with lysine, which is basic and polar, at codon 1172 of the MYH6 protein (p.Glu1172Lys). This variant is present in population databases (rs770838698, gnomAD 0.01%). This variant has not been reported in the literature in individuals affected with MYH6-related conditions. Advanced modeling of protein sequence and biophysical properties (such as structural, functional, and spatial information, amino acid conservation, physicochemical variation, residue mobility, and thermodynamic stability) performed at Invitae indicates that this missense variant is expected to disrupt MYH6 protein function. In summary, the available evidence is currently insufficient to determine the role of this variant in disease. Therefore, it has been classified as a Variant of Uncertain Significance.